The following is an entry in ClinVar:

ClinVar aggregate classification (germline): Likely benign (1 of 4 stars; one submission).

gnomAD v4.1: 201 of 1,607,166 alleles (0.013%); highest among the groups gnomAD compares: Non-Finnish European, 0.016%; no homozygotes.

Submission:

CeGaT Center for Human Genetics Tuebingen
Classification: Likely benign. Last evaluated: 2024-11-01. Review status: criteria provided, single submitter. Criteria: CeGaT Center For Human Genetics Tuebingen Variant Classification Criteria Version 2. Collection method: clinical testing. Allele origin: germline. Affected: yes. Observed: 1 variant allele.
Comment: EBF3: BP4

NM_001375380.1(EBF3):c.486-5C>T

Gene: EBF3 (EBF transcription factor 3; minus strand). Cytogenetic location: 10q26.3.
Variant type: single nucleotide variant.
Coding change: c.486-5C>T on transcript NM_001375380.1 (MANE Select); 5 bases into the intron before coding-DNA position 486, C replaced by T.
Molecular consequence: intron variant.
Genome position (GRCh38, 1-based): chr10:129,957,331, G>A on the plus strand (C>T on the coding strand, the complement: EBF3 is on the minus strand). VCF-style: chr10-129957331-G-A. GRCh37 (hg19) VCF-style: chr10-131755595-G-A.
Other names: c.486-5C>T (NM_001375392.1, NM_001005463.3, NM_001375390.1 and 3 more transcripts).
Identifiers: ClinVar variation 3388793 (VCV003388793.14).